The following is an entry in ClinVar:

NM_001083926.2(ASRGL1):c.175C>A (p.Pro59Thr)

Gene: ASRGL1 (asparaginase and isoaspartyl peptidase 1; plus strand). Cytogenetic location: 11q12.3.
Variant type: single nucleotide variant.
Coding change: c.175C>A on transcript NM_001083926.2 (MANE Select); coding-DNA position 175, C replaced by A.
Protein change: p.Pro59Thr; replaces proline 59 with threonine.
Molecular consequence: missense variant.
Genome position (GRCh38, 1-based): chr11:62,338,152, C>A. VCF-style: chr11-62338152-C-A. GRCh37 (hg19) VCF-style: chr11-62105624-C-A.
Other names: c.175C>A, p.Pro59Thr (NM_001441216.1, NM_001441217.1, NM_025080.4); short protein forms P59T.
Identifiers: ClinVar variation 4777149 (VCV004777149.1).
Genomic context (GRCh38, chr11:62,338,152, plus strand): 5'-CGGGAGGGCGGGAGCGCCGTGGATGCCGTAGAGGGAGCTGTCGTCGCCCTGGAAGACGAT[C>A]CCGAGTTCAACGCAGGTAAATGTGCCTTTCAGCTAGTAAATAATGTGAGTCAGGTCAAGC-3'
Protein context (NP_001077395.1, residues 49-69): EGAVVALEDD[Pro59Thr]EFNAGCGSVL

ClinVar aggregate classification (germline): Uncertain significance (1 of 4 stars; one submission).

gnomAD v4.1: 13 of 1,578,736 alleles (0.00082%); highest among the groups gnomAD compares: African/African-American, 0.0014%; no homozygotes.

Submission:

Labcorp Genetics (formerly Invitae), Labcorp
Classification: Uncertain significance. Last evaluated: 2025-05-23. Review status: criteria provided, single submitter. Criteria: Invitae Variant Classification Sherloc (09022015). Collection method: clinical testing. Allele origin: germline.
Comment: This sequence change replaces proline, which is neutral and non-polar, with threonine, which is neutral and polar, at codon 59 of the ASRGL1 protein (p.Pro59Thr). The frequency data for this variant in the population databases is considered unreliable, as metrics indicate poor data quality at this position in the gnomAD database. This variant has not been reported in the literature in individuals affected with ASRGL1-related conditions. An algorithm developed to predict the effect of missense changes on protein structure and function (PolyPhen-2) suggests that this variant is likely to be tolerated. In summary, the available evidence is currently insufficient to determine the role of this variant in disease. Therefore, it has been classified as a Variant of Uncertain Significance.